The following is an entry in ClinVar:

ClinVar aggregate classification (germline): Uncertain significance (1 of 4 stars; one submission).

gnomAD v4.1: 70 of 1,612,426 alleles (0.0043%); highest among the groups gnomAD compares: Middle Eastern, 0.017%; no homozygotes.

Submission:

GeneDx
Classification: Uncertain significance. Last evaluated: 2024-06-06. Review status: criteria provided, single submitter. Criteria: GeneDx Variant Classification Process June 2021. Collection method: clinical testing. Allele origin: germline. Affected: yes.
Comment: Has not been previously published as pathogenic or benign to our knowledge; In silico analysis is inconclusive as to whether the variant alters gene splicing. In the absence of RNA/functional studies, the actual effect of this sequence change is unknown.

NM_139027.6(ADAMTS13):c.1093-11T>A

Gene: ADAMTS13 (ADAM metallopeptidase with thrombospondin type 1 motif 13; plus strand). Cytogenetic location: 9q34.2.
Variant type: single nucleotide variant.
Coding change: c.1093-11T>A on transcript NM_139027.6 (MANE Select); 11 bases into the intron before coding-DNA position 1093, T replaced by A.
Molecular consequence: intron variant.
Genome position (GRCh38, 1-based): chr9:133,433,367, T>A. VCF-style: chr9-133433367-T-A. GRCh37 (hg19) VCF-style: chr9-136298487-T-A.
Other names: c.1093-11T>A (NM_139025.5); c.1000-11T>A (NM_139026.6).
Identifiers: ClinVar variation 3384645 (VCV003384645.1).